The following is an entry in ClinVar:

ClinVar aggregate classification (germline): Uncertain significance. Review status: criteria provided, multiple submitters, no conflicts (2 of 4 stars). 2 submissions from 2 submitters: Uncertain significance (2). Last evaluated 2022-11-28.

Conditions:
Cardiomyopathy (CMYO). Also called: Cardiomyopathies. Identifiers: Orphanet 167848, MedGen C0878544, MONDO:0004994, HP:0001638. Inheritance: Various modes of inheritance.
Danon disease. Also called: PSEUDOGLYCOGENOSIS II; GSD IIb; LYSOSOMAL GLYCOGEN STORAGE DISEASE WITHOUT ACID MALTASE DEFICIENCY; ANTOPOL DISEASE; Glycogen Storage Disease Type IIb. Identifiers: Orphanet 34587, MedGen C0878677, MONDO:0010281, OMIM 300257.

gnomAD v4.1: 1 of 1,210,484 alleles (0.000083%); highest among the groups gnomAD compares: Non-Finnish European, 0.00011%; no homozygotes.

Submissions (2):

Labcorp Genetics (formerly Invitae), Labcorp
Classification: Uncertain significance for Danon disease. Last evaluated: 2022-11-28. Review status: criteria provided, single submitter. Criteria: Invitae Variant Classification Sherloc (09022015). Collection method: clinical testing. Allele origin: germline.
Comment: This variant is not present in population databases (gnomAD no frequency). In summary, the available evidence is currently insufficient to determine the role of this variant in disease. Therefore, it has been classified as a Variant of Uncertain Significance. Advanced modeling of protein sequence and biophysical properties (such as structural, functional, and spatial information, amino acid conservation, physicochemical variation, residue mobility, and thermodynamic stability) performed at Invitae indicates that this missense variant is not expected to disrupt LAMP2 protein function. This variant has not been reported in the literature in individuals affected with LAMP2-related conditions. This sequence change replaces alanine, which is neutral and non-polar, with threonine, which is neutral and polar, at codon 105 of the LAMP2 protein (p.Ala105Thr).

CHEO Genetics Diagnostic Laboratory, Children's Hospital of Eastern Ontario
Classification: Uncertain significance for Cardiomyopathy. Last evaluated: 2022-05-11. Review status: criteria provided, single submitter. Criteria: ACMG Guidelines, 2015. Collection method: clinical testing. Allele origin: germline.

NM_002294.3(LAMP2):c.313G>A (p.Ala105Thr)

Gene: LAMP2 (lysosome associated membrane protein 2; minus strand). Cytogenetic location: Xq24.
Variant type: single nucleotide variant.
Coding change: c.313G>A on transcript NM_002294.3 (MANE Select); coding-DNA position 313, G replaced by A.
Protein change: p.Ala105Thr; replaces alanine 105 with threonine.
Molecular consequence: missense variant.
Genome position (GRCh38, 1-based): chrX:120,455,441, C>T on the plus strand (G>A on the coding strand, the complement: LAMP2 is on the minus strand). VCF-style: chrX-120455441-C-T. GRCh37 (hg19) VCF-style: chrX-119589296-C-T.
Other names: c.313G>A, p.Ala105Thr (NM_001122606.1, NM_013995.2); short protein forms A105T.
Identifiers: ClinVar variation 2442806 (VCV002442806.5), dbSNP rs2147286818, ClinGen allele CA414403050.